The following is an entry in ClinVar:

NM_000053.4(ATP7B):c.2622G>A (p.Ala874=)

Gene: ATP7B (ATPase copper transporting beta; minus strand). Cytogenetic location: 13q14.3.
Variant type: single nucleotide variant.
Coding change: c.2622G>A on transcript NM_000053.4 (MANE Select); coding-DNA position 2622, G replaced by A.
Protein change: p.Ala874=; no amino-acid change (alanine 874 retained).
Molecular consequence: synonymous variant.
Genome position (GRCh38, 1-based): chr13:51,950,115, C>T on the plus strand (G>A on the coding strand, the complement: ATP7B is on the minus strand). VCF-style: chr13-51950115-C-T. GRCh37 (hg19) VCF-style: chr13-52524251-C-T.
Other names: c.2136G>A, p.Ala712= (NM_001005918.3); c.2289G>A, p.Ala763= (NM_001243182.2); c.2388G>A, p.Ala796= (NM_001330578.2); c.2370G>A, p.Ala790= (NM_001330579.2).
Identifiers: ClinVar variation 649110 (VCV000649110.8), dbSNP rs896503662, ClinGen allele CA250085246.
Genomic context (GRCh38, chr13:51,950,115, plus strand): 5'-GGTGTCATTGCCCACGTGGGTAGCTTTAATGAGCACAGAGCCATGTGCATTTATAGACCC[C>T]GCAATTACAGTGCTTCCGGGTTTCTTAGTGACTGGCATGGCTTCTCCTAGACGTAGGAAA-3'
Protein context (NP_000044.2, residues 864-884): VTKKPGSTVI[Ala874=]GSINAHGSVL

ClinVar aggregate classification (germline): Likely benign. Review status: criteria provided, multiple submitters, no conflicts (2 of 4 stars). 4 submissions from 4 submitters: Likely benign (3). 1 of the submissions does not count toward it. Last evaluated 2026-01-19.

Conditions:
Wilson disease (WND). Also called: Wilson's disease. Identifiers: Orphanet 905, MedGen C0019202, MONDO:0010200, OMIM 277900. Disease mechanism: loss of function.

Allele frequency attached by ClinVar (database versions not stated): gnomAD exomes 0.00001; TOPMed 0.00002.
gnomAD v4.1: 26 of 1,614,056 alleles (0.0016%); highest among the groups gnomAD compares: Non-Finnish European, 0.002%; no homozygotes.

Submissions (4):

Labcorp Genetics (formerly Invitae), Labcorp
Classification: Likely benign for Wilson disease. Last evaluated: 2026-01-19. Review status: criteria provided, single submitter. Criteria: Invitae Variant Classification Sherloc (09022015). Collection method: clinical testing. Allele origin: germline.

All of Us Research Program, National Institutes of Health
Classification: Likely benign for Wilson disease. Last evaluated: 2024-05-14. Review status: criteria provided, single submitter. Criteria: ACMG Guidelines, 2015. Collection method: clinical testing. Allele origin: germline. Inheritance: Autosomal recessive inheritance. Observed: 3 variant alleles, 3 heterozygotes.
Comment: This study involves interpretation of variants in research participants for the purpose of population health screening. Participant phenotype was not available at the time of variant classification. Additional details can be found in publication PMID: 35346344, PMCID: PMC8962531

Color Diagnostics, LLC DBA Color Health
Classification: Likely benign for Wilson disease. Last evaluated: 2022-06-10. Review status: criteria provided, single submitter. Criteria: ACMG Guidelines, 2015. Collection method: clinical testing. Allele origin: germline.

Natera, Inc.
Classification: Uncertain significance for Wilson disease. Last evaluated: 2020-09-16. Review status: no assertion criteria provided. Collection method: clinical testing. Allele origin: germline. Not counted in ClinVar's aggregate classification.